The following is an entry in ClinVar:

NM_001605.3(AARS1):c.1001A>T (p.Tyr334Phe)

Gene: AARS1 (alanyl-tRNA synthetase 1; minus strand). Cytogenetic location: 16q22.1.
Variant type: single nucleotide variant.
Coding change: c.1001A>T on transcript NM_001605.3 (MANE Select); coding-DNA position 1001, A replaced by T.
Protein change: p.Tyr334Phe; replaces tyrosine 334 with phenylalanine.
Molecular consequence: missense variant.
Genome position (GRCh38, 1-based): chr16:70,268,341, T>A on the plus strand (A>T on the coding strand, the complement: AARS1 is on the minus strand). VCF-style: chr16-70268341-T-A. GRCh37 (hg19) VCF-style: chr16-70302244-T-A.
Other names: short protein forms Y334F.
Identifiers: ClinVar variation 476726 (VCV000476726.11), dbSNP rs527414180, ClinGen allele CA8140955.
Genomic context (GRCh38, chr16:70,268,341, plus strand): 5'-ACGACAACATCCACTAACGTAGCAAAGAAGCCCCTGCTGGCATTGAGCTTTTCATGGGCG[T>A]ATCGGACAGCTCGGCGGAGAATCCGTCTCAACACATATCTGTAAGAGGCAAAAACTAGTC-3'
Protein context (NP_001596.2, residues 324-344): LRRILRRAVR[Tyr334Phe]AHEKLNASRG

ClinVar aggregate classification (germline): Conflicting classifications of pathogenicity. Review status: criteria provided, conflicting classifications (1 of 4 stars). 3 submissions from 3 submitters: Uncertain significance (2); Likely benign (1). Last evaluated 2024-05-09.

Conditions:
Developmental and epileptic encephalopathy, 29 (DEE29). Also called: Epileptic encephalopathy, early infantile, 29. Identifiers: Orphanet 442835, MedGen C4225361, MONDO:0014593, OMIM 616339.
Inborn genetic diseases. Identifiers: MedGen C0950123, MeSH D030342.
Charcot-Marie-Tooth disease type 2. Also called: Charcot-Marie-Tooth type 2. Identifiers: Orphanet 64746, MedGen C0270914, MONDO:0018993.

Allele frequency attached by ClinVar (database versions not stated): 1000 Genomes Project 30x 0.00016; gnomAD 0.00001; gnomAD exomes 0.00002 and 0.00007; ExAC 0.00008; 1000 Genomes Project 0.00020.
gnomAD v4.1: 39 of 1,614,166 alleles (0.0024%); highest among the groups gnomAD compares: South Asian, 0.04%; 1 homozygote.

Submissions (3):

Labcorp Genetics (formerly Invitae), Labcorp
Classification: Likely benign for Charcot-Marie-Tooth disease type 2. Last evaluated: 2024-05-09. Review status: criteria provided, single submitter. Criteria: Invitae Variant Classification Sherloc (09022015). Collection method: clinical testing. Allele origin: germline.

Neuberg Centre For Genomic Medicine, NCGM
Classification: Uncertain significance for Developmental and epileptic encephalopathy, 29. Last evaluated: 2023-02-14. Review status: criteria provided, single submitter. Criteria: ACMG Guidelines, 2015. Collection method: clinical testing. Allele origin: germline. Inheritance: Autosomal dominant inheritance. Affected: yes.
Comment: The missense variant c.1001A>T (p.Tyr334Phe) in the AARS1 gene has not been reported previously as a pathogenic variant nor as a benign variant, to our knowledge. This variant is reported with the allele frequency (0.007%) in the gnomAD Exomes and novel (not in any individuals) in 1000 Genomes. This variant has been reported to the ClinVar database as Uncertain Significance. However, no details are available for independent assessment. The amino acid Tyrosine at position 334 is changed to a Phenylalanine changing protein sequence and it might alter its composition and physico- chemical properties. The amino acid change p.Tyr334Phe in AARS1 is predicted as conserved by GERP++ and PhyloP across 100 vertebrates. For these reasons, this variant has been classified as Uncertain Significance.

Ambry Genetics
Classification: Uncertain significance for Inborn genetic diseases. Last evaluated: 2021-07-29. Review status: criteria provided, single submitter. Criteria: Ambry Variant Classification Scheme 2023. Collection method: clinical testing. Allele origin: germline.
Comment: The p.Y334F variant (also known as c.1001A>T), located in coding exon 7 of the AARS gene, results from an A to T substitution at nucleotide position 1001. The tyrosine at codon 334 is replaced by phenylalanine, an amino acid with highly similar properties. This amino acid position is conserved. In addition, the in silico prediction for this alteration is inconclusive. Based on the supporting evidence, this variant is unlikely to be causative of Charcot-Marie-Tooth disease, type 2N (AD); however, its contribution to the development of AARS-related early infantile epileptic encephalopathy (AR) is uncertain.